The following is an entry in ClinVar:

NM_000138.5(FBN1):c.3976T>A (p.Cys1326Ser)

Gene: FBN1 (fibrillin 1; minus strand). Cytogenetic location: 15q21.1.
Variant type: single nucleotide variant.
Coding change: c.3976T>A on transcript NM_000138.5 (MANE Select); coding-DNA position 3976, T replaced by A.
Protein change: p.Cys1326Ser; replaces cysteine 1326 with serine.
Molecular consequence: missense variant.
Genome position (GRCh38, 1-based): chr15:48,474,639, A>T on the plus strand (T>A on the coding strand, the complement: FBN1 is on the minus strand). VCF-style: chr15-48474639-A-T. GRCh37 (hg19) VCF-style: chr15-48766836-A-T.
Other names: c.3976T>A, p.Cys1326Ser (NM_001406716.1); short protein forms C1326S.
Identifiers: ClinVar variation 4789654 (VCV004789654.1).

ClinVar aggregate classification (germline): Pathogenic (1 of 4 stars; one submission).

Conditions:
Marfan syndrome (MFS). Also called: FBN1-Related Marfan Syndrome; MARFAN SYNDROME, TYPE I; Marfan syndrome type 1; Marfan's syndrome; Marfan syndrome, classic. Identifiers: Orphanet 284963, Orphanet 558, MedGen C0024796, MONDO:0007947, OMIM 154700.
Familial thoracic aortic aneurysm and aortic dissection (TAAD). Also called: Thoracic aortic aneurysms and dissections. Identifiers: Orphanet 91387, MedGen C4707243, MONDO:0019625.

Submission:

Labcorp Genetics (formerly Invitae), Labcorp
Classification: Pathogenic for Marfan syndrome; Familial thoracic aortic aneurysm and aortic dissection. Last evaluated: 2025-12-13. Review status: criteria provided, single submitter. Criteria: Invitae Variant Classification Sherloc (09022015). Collection method: clinical testing. Allele origin: germline.
Comment: This sequence change replaces cysteine, which is neutral and slightly polar, with serine, which is neutral and polar, at codon 1326 of the FBN1 protein (p.Cys1326Ser). This variant is not present in population databases (gnomAD no frequency). This missense change has been observed in individual(s) with clinical features of Marfan syndrome (internal data). Invitae Evidence Modeling of protein sequence and biophysical properties (such as structural, functional, and spatial information, amino acid conservation, physicochemical variation, residue mobility, and thermodynamic stability) indicates that this missense variant is expected to disrupt FBN1 protein function with a positive predictive value of 95%. This variant affects a cysteine residue in the EGF-like, TGFBP or hybrid motif domains of FBN1. Cysteine residues are believed to be involved in intramolecular disulfide bridges and have been shown to be important for FBN1 protein structure (PMID: 16905551, 19349279). In addition, missense substitutions affecting cysteine residues within these domains are significantly overrepresented among patients with Marfan syndrome (PMID: 16571647, 17701892). This variant disrupts the p.Cys1326 amino acid residue in FBN1. Other variant(s) that disrupt this residue have been observed in individuals with FBN1-related conditions (PMID: 10486319, 29357934), which suggests that this may be a clinically significant amino acid residue. For these reasons, this variant has been classified as Pathogenic.

Literature cited by the submitters: PubMed 16905551; PubMed 19349279; PubMed 16571647; PubMed 17701892; PubMed 10486319; PubMed 29357934.